The following is an entry in ClinVar:

ClinVar aggregate classification (germline): Likely pathogenic (1 of 4 stars; one submission).

Conditions:
Gaucher disease. Also called: Acute cerebral Gaucher disease; Cerebroside lipidosis syndrome; Gaucher splenomegaly; Sphingolipidosis 1; Glucocerebrosidosis; Glucosylceramidase deficiency. Identifiers: Orphanet 355, MedGen C0017205, MONDO:0018150.

Submission:

Natera, Inc.
Classification: Likely pathogenic for Gaucher disease. Last evaluated: 2024-12-05. Review status: criteria provided, single submitter. Criteria: Natera Variant Classification Schema (03/2026). Collection method: clinical testing. Allele origin: germline.
Comment: The c.460G>T variant in GBA1 is a nonsense variant predicted to introduce a stop codon at amino acid 154. This variant is expected to result in nonsense mediated decay, truncation, or a dysfunctional protein product. This variant is rare in the general population with a frequency below the threshold expected for the associated phenotype(s). Given the available evidence, this variant is classified as Likely Pathogenic.

NM_000157.4(GBA1):c.460G>T (p.Gly154Ter)

Genes: GBA1 (glucosylceramidase beta 1; minus strand), LOC106627981 (GBA recombination region; plus strand). Cytogenetic location: 1q22.
Variant type: single nucleotide variant.
Coding change: c.460G>T on transcript NM_000157.4 (MANE Select); coding-DNA position 460, G replaced by T.
Protein change: p.Gly154Ter; replaces glycine 154 with a stop codon.
Molecular consequence: nonsense.
Genome position (GRCh38, 1-based): chr1:155,238,645, C>A on the plus strand (G>T on the coding strand, the complement: GBA1 is on the minus strand). VCF-style: chr1-155238645-C-A. GRCh37 (hg19) VCF-style: chr1-155208436-C-A.
Other names: c.460G>T, p.Gly154Ter (NM_001005741.3, NM_001005742.3); c.199G>T, p.Gly67Ter (NM_001171811.2); c.313G>T, p.Gly105Ter (NM_001171812.2); short protein forms G105*, G154*, G67*.
Identifiers: ClinVar variation 4817767 (VCV004817767.1).